The following is an entry in ClinVar:

ClinVar aggregate classification (germline): Uncertain significance (1 of 4 stars; one submission).

Submission:

Labcorp Genetics (formerly Invitae), Labcorp
Classification: Uncertain significance. Last evaluated: 2025-08-31. Review status: criteria provided, single submitter. Criteria: Invitae Variant Classification Sherloc (09022015). Collection method: clinical testing. Allele origin: germline.
Comment: This sequence change replaces arginine, which is basic and polar, with tryptophan, which is neutral and slightly polar, at codon 94 of the WFS1 protein (p.Arg94Trp). This variant is not present in population databases (gnomAD no frequency). This variant has not been reported in the literature in individuals affected with WFS1-related conditions. Invitae Evidence Modeling of protein sequence and biophysical properties (such as structural, functional, and spatial information, amino acid conservation, physicochemical variation, residue mobility, and thermodynamic stability) has been performed for this missense variant. However, the output from this modeling did not meet the statistical confidence thresholds required to predict the impact of this variant on WFS1 protein function. In summary, the available evidence is currently insufficient to determine the role of this variant in disease. Therefore, it has been classified as a Variant of Uncertain Significance.

NM_006005.3(WFS1):c.280A>T (p.Arg94Trp)

Gene: WFS1 (wolframin ER transmembrane glycoprotein; plus strand). Cytogenetic location: 4p16.1.
Variant type: single nucleotide variant.
Coding change: c.280A>T on transcript NM_006005.3 (MANE Select); coding-DNA position 280, A replaced by T.
Protein change: p.Arg94Trp; replaces arginine 94 with tryptophan.
Molecular consequence: missense variant.
Genome position (GRCh38, 1-based): chr4:6,287,140, A>T. VCF-style: chr4-6287140-A-T. GRCh37 (hg19) VCF-style: chr4-6288867-A-T.
Other names: c.280A>T, p.Arg94Trp (NM_001145853.1); short protein forms R94W.
Identifiers: ClinVar variation 4802682 (VCV004802682.1).